The following is an entry in ClinVar:

NM_000297.4(PKD2):c.1565T>C (p.Ile522Thr)

Gene: PKD2 (polycystin 2, transient receptor potential cation channel; plus strand). Cytogenetic location: 4q22.1.
Variant type: single nucleotide variant.
Coding change: c.1565T>C on transcript NM_000297.4 (MANE Select); coding-DNA position 1565, T replaced by C.
Protein change: p.Ile522Thr; replaces isoleucine 522 with threonine.
Molecular consequence: missense variant. On other transcripts: non-coding transcript variant (1).
Genome position (GRCh38, 1-based): chr4:88,052,007, T>C. VCF-style: chr4-88052007-T-C. GRCh37 (hg19) VCF-style: chr4-88973159-T-C.
Other names: short protein forms I522T.
Identifiers: ClinVar variation 1984939 (VCV001984939.4), dbSNP rs1375586696, ClinGen allele CA357621375.

ClinVar aggregate classification (germline): Uncertain significance (1 of 4 stars; one submission).

Conditions:
Autosomal dominant polycystic kidney disease. Identifiers: Orphanet 730, MedGen C0085413, MONDO:0004691.

Allele frequency attached by ClinVar (database versions not stated): gnomAD exomes below 0.00001.
gnomAD v4.1: 5 of 1,587,076 alleles (0.00032%); highest among the groups gnomAD compares: Non-Finnish European, 0.00043%; no homozygotes.

Submission:

Labcorp Genetics (formerly Invitae), Labcorp
Classification: Uncertain significance for Autosomal dominant polycystic kidney disease. Last evaluated: 2022-06-16. Review status: criteria provided, single submitter. Criteria: Invitae Variant Classification Sherloc (09022015). Collection method: clinical testing. Allele origin: germline.
Comment: This sequence change replaces isoleucine, which is neutral and non-polar, with threonine, which is neutral and polar, at codon 522 of the PKD2 protein (p.Ile522Thr). This variant is present in population databases (no rsID available, gnomAD 0.0009%). This variant has not been reported in the literature in individuals affected with PKD2-related conditions. Algorithms developed to predict the effect of missense changes on protein structure and function are either unavailable or do not agree on the potential impact of this missense change (SIFT: "Deleterious"; PolyPhen-2: "Benign"; Align-GVGD: "Class C25"). In summary, the available evidence is currently insufficient to determine the role of this variant in disease. Therefore, it has been classified as a Variant of Uncertain Significance.